The following is an entry in ClinVar:

ClinVar aggregate classification (germline): Uncertain significance. Review status: criteria provided, multiple submitters, no conflicts (2 of 4 stars). 2 submissions from 2 submitters: Uncertain significance (2). Last evaluated 2026-02-13.

Conditions:
Oligodontia-cancer predisposition syndrome. Also called: TOOTH AGENESIS-COLORECTAL CANCER SYNDROME. Identifiers: Orphanet 300576, MedGen C1837750, MONDO:0012075, OMIM 608615. Disease mechanism: loss of function.
Hereditary cancer-predisposing syndrome. Also called: Hereditary neoplastic syndrome; Tumor predisposition; Neoplastic Syndromes, Hereditary; Hereditary Cancer Syndrome. Identifiers: Orphanet 140162, MedGen C0027672, MeSH D009386, MONDO:0015356.

Submissions (2):

Ambry Genetics
Classification: Uncertain significance for Hereditary cancer-predisposing syndrome. Last evaluated: 2026-02-13. Review status: criteria provided, single submitter. Criteria: Ambry Variant Classification Scheme 2023. Collection method: clinical testing. Allele origin: germline.
Comment: The p.M830I variant (also known as c.2490G>C), located in coding exon 10 of the AXIN2 gene, results from a G to C substitution at nucleotide position 2490. The methionine at codon 830 is replaced by isoleucine, an amino acid with highly similar properties. This amino acid position is poorly conserved in available vertebrate species. In addition, this alteration is predicted to be tolerated by in silico analysis. Based on the available evidence, the clinical significance of this variant remains unclear.

Labcorp Genetics (formerly Invitae), Labcorp
Classification: Uncertain significance for Oligodontia-cancer predisposition syndrome. Last evaluated: 2021-10-09. Review status: criteria provided, single submitter. Criteria: Invitae Variant Classification Sherloc (09022015). Collection method: clinical testing. Allele origin: germline.
Comment: In summary, the available evidence is currently insufficient to determine the role of this variant in disease. Therefore, it has been classified as a Variant of Uncertain Significance. Algorithms developed to predict the effect of missense changes on protein structure and function (SIFT, PolyPhen-2, Align-GVGD) all suggest that this variant is likely to be tolerated. This missense change has been observed in individual(s) with oligodontia (PMID: 24581859). This variant is not present in population databases (ExAC no frequency). This sequence change replaces methionine with isoleucine at codon 830 of the AXIN2 protein (p.Met830Ile). The methionine residue is moderately conserved and there is a small physicochemical difference between methionine and isoleucine.

Literature cited by the submitters: PubMed 24581859 (cited by Labcorp Genetics (formerly Invitae), Labcorp).

NM_004655.4(AXIN2):c.2490G>C (p.Met830Ile)

Gene: AXIN2 (axin 2; minus strand). Cytogenetic location: 17q24.1.
Variant type: single nucleotide variant.
Coding change: c.2490G>C on transcript NM_004655.4 (MANE Select); coding-DNA position 2490, G replaced by C.
Protein change: p.Met830Ile; replaces methionine 830 with isoleucine.
Molecular consequence: missense variant.
Genome position (GRCh38, 1-based): chr17:65,530,018, C>G on the plus strand (G>C on the coding strand, the complement: AXIN2 is on the minus strand). VCF-style: chr17-65530018-C-G. GRCh37 (hg19) VCF-style: chr17-63526136-C-G.
Other names: c.2490G>C (NM_004655.3); c.2295G>C, p.Met765Ile (NM_001363813.1); short protein forms M765I, M830I.
Identifiers: ClinVar variation 1372396 (VCV001372396.7), dbSNP rs747010025, ClinGen allele CA400674796.